The following is an entry in ClinVar:

NM_006904.7(PRKDC):c.4475C>T (p.Ala1492Val)

Gene: PRKDC (protein kinase, DNA-activated, catalytic subunit; minus strand). Cytogenetic location: 8q11.21.
Variant type: single nucleotide variant.
Coding change: c.4475C>T on transcript NM_006904.7 (MANE Select); coding-DNA position 4475, C replaced by T.
Protein change: p.Ala1492Val; replaces alanine 1492 with valine.
Molecular consequence: missense variant.
Genome position (GRCh38, 1-based): chr8:47,887,644, G>A on the plus strand (C>T on the coding strand, the complement: PRKDC is on the minus strand). VCF-style: chr8-47887644-G-A. GRCh37 (hg19) VCF-style: chr8-48800205-G-A.
Other names: c.4475C>T, p.Ala1492Val (NM_001081640.2); short protein forms A1492V.
Identifiers: ClinVar variation 1383682 (VCV001383682.6), dbSNP rs530842546, ClinGen allele CA371144001.

ClinVar aggregate classification (germline): Uncertain significance (1 of 4 stars; one submission).

Conditions:
Severe combined immunodeficiency due to DNA-PKcs deficiency. Also called: IMMUNODEFICIENCY 26 WITH NEUROLOGIC ABNORMALITIES; Immunodeficiency 26 with or without neurologic abnormalities. Identifiers: Orphanet 317425, MedGen C4014833, MONDO:0014423, OMIM 615966.

gnomAD v4.1: 1 of 1,608,654 alleles (0.000062%); highest among the groups gnomAD compares: Non-Finnish European, 0.000085%; no homozygotes.

Submission:

Labcorp Genetics (formerly Invitae), Labcorp
Classification: Uncertain significance for Severe combined immunodeficiency due to DNA-PKcs deficiency. Last evaluated: 2021-12-15. Review status: criteria provided, single submitter. Criteria: Invitae Variant Classification Sherloc (09022015). Collection method: clinical testing. Allele origin: germline.
Comment: In summary, the available evidence is currently insufficient to determine the role of this variant in disease. Therefore, it has been classified as a Variant of Uncertain Significance. This sequence change replaces alanine, which is neutral and non-polar, with valine, which is neutral and non-polar, at codon 1492 of the PRKDC protein (p.Ala1492Val). This variant is not present in population databases (gnomAD no frequency). This variant has not been reported in the literature in individuals affected with PRKDC-related conditions. Experimental studies and prediction algorithms are not available or were not evaluated, and the functional significance of this variant is currently unknown.